The following is an entry in ClinVar:

ClinVar aggregate classification (germline): Pathogenic (1 of 4 stars; one submission).

Conditions:
Incontinentia pigmenti syndrome (IP). Also called: BLOCH-SULZBERGER SYNDROME; INCONTINENTIA PIGMENTI, FAMILIAL MALE-LETHAL TYPE; INCONTINENTIA PIGMENTI, TYPE II; Incontinentia Pigmenti. Identifiers: Orphanet 464, MedGen C0021171, MONDO:0010631, OMIM 308300.

Submission:

Gemeinschaftspraxis fuer Humangenetik Dresden
Classification: Pathogenic for Incontinentia pigmenti syndrome. Last evaluated: 2024-01-25. Review status: criteria provided, single submitter. Criteria: ACMG Guidelines, 2015. Collection method: clinical testing. Allele origin: germline. Inheritance: X-linked dominant inheritance. Affected: yes. Observed: 1 heterozygote.
Comment: The variant c.373delG, p.(Val125Trpfs*4) is not reported in HGMD 2024.1, gnomAD (v2.1.1), dbSNP (v156) or LOVD (we submitted there) so far. Due to the protein truncating character the variant is classified as pathogenic.

NM_001099857.5(IKBKG):c.373del (p.Val125fs)

Gene: IKBKG (inhibitor of nuclear factor kappa B kinase regulatory subunit gamma; plus strand). Cytogenetic location: Xq28.
Variant type: Deletion.
Coding change: c.373del on transcript NM_001099857.5 (MANE Select); coding-DNA position 373, one base deleted (G; older notation c.373delG).
Protein change: p.Val125fs; shifts the reading frame from valine 125.
Molecular consequence: frameshift variant. On other transcripts: non-coding transcript variant (1).
Genome position (GRCh38, 1-based): chrX:154,556,350, G deleted; the last of 2 consecutive G bases (chrX:154,556,349-154,556,350); deleting either gives the same sequence. VCF-style (leftmost placement, unchanged base first): chrX-154556348-AG-A. GRCh37 (hg19) VCF-style: chrX-153784563-AG-A.
Other names: c.373delG (NM_001099857.5); c.577del, p.Val193fs (NM_001099856.6); c.373del, p.Val125fs (NM_001145255.4, NM_001321396.3, NM_001321397.3 and 5 more transcripts); short protein forms V125fs, V193fs.
Identifiers: ClinVar variation 3242266 (VCV003242266.2), dbSNP rs2523366134.